The following is an entry in ClinVar:

ClinVar aggregate classification (germline): Benign/Likely benign. Review status: criteria provided, multiple submitters, no conflicts (2 of 4 stars). 4 submissions from 4 submitters: Benign (1); Likely benign (3). Last evaluated 2026-01-29.

Conditions:
Hereditary cancer-predisposing syndrome. Also called: Neoplastic Syndromes, Hereditary; Tumor predisposition; Hereditary Cancer Syndrome; Hereditary neoplastic syndrome. Identifiers: Orphanet 140162, MedGen C0027672, MeSH D009386, MONDO:0015356.
Familial adenomatous polyposis 1 (FAP1). Also called: FAMILIAL ADENOMATOUS POLYPOSIS 1, ATTENUATED; POLYPOSIS, ADENOMATOUS INTESTINAL. Identifiers: MedGen C2713442, MONDO:0021056, OMIM 175100. Disease mechanism: loss of function.

Allele frequency attached by ClinVar (database versions not stated): ExAC 0.00001; gnomAD exomes 0.00001.
gnomAD v4.1: 3 of 1,614,216 alleles (0.00019%); highest among the groups gnomAD compares: South Asian, 0.0011%; no homozygotes.

Submissions (4):

Ambry Genetics
Classification: Likely benign for Hereditary cancer-predisposing syndrome. Last evaluated: 2026-01-29. Review status: criteria provided, single submitter. Criteria: Ambry Variant Classification Scheme 2023. Collection method: clinical testing. Allele origin: germline.

Myriad Genetics, Inc.
Classification: Benign for Familial adenomatous polyposis 1. Last evaluated: 2024-03-15. Review status: criteria provided, single submitter. Criteria: Myriad Autosomal Dominant, Autosomal Recessive and X-Linked Classification Criteria (2023). Collection method: clinical testing. Allele origin: unknown.
Comment: This variant is considered benign. This variant is a silent/synonymous amino acid change and it is not expected to impact splicing.

Labcorp Genetics (formerly Invitae), Labcorp
Classification: Likely benign for Familial adenomatous polyposis 1. Last evaluated: 2024-02-05. Review status: criteria provided, single submitter. Criteria: Invitae Variant Classification Sherloc (09022015). Collection method: clinical testing. Allele origin: germline.

Color Diagnostics, LLC DBA Color Health
Classification: Likely benign for Hereditary cancer-predisposing syndrome. Last evaluated: 2021-10-04. Review status: criteria provided, single submitter. Criteria: ACMG Guidelines, 2015. Collection method: clinical testing. Allele origin: germline.

NM_000038.6(APC):c.2832T>C (p.Asn944=)

Gene: APC (APC regulator of Wnt signaling pathway; plus strand). Cytogenetic location: 5q22.2.
Variant type: single nucleotide variant.
Coding change: c.2832T>C on transcript NM_000038.6 (MANE Select); coding-DNA position 2832, T replaced by C.
Protein change: p.Asn944=; no amino-acid change (asparagine 944 retained).
Molecular consequence: synonymous variant.
Genome position (GRCh38, 1-based): chr5:112,838,426, T>C. VCF-style: chr5-112838426-T-C. GRCh37 (hg19) VCF-style: chr5-112174123-T-C.
Other names: c.1983T>C, p.Asn661= (NM_001354906.2); c.2454T>C, p.Asn818= (NM_001354904.2); c.2352T>C, p.Asn784= (NM_001354905.2); c.2832T>C, p.Asn944= (NM_001127510.3, NM_001354895.2); c.2778T>C, p.Asn926= (NM_001127511.3); c.2886T>C, p.Asn962= (NM_001354896.2); c.2862T>C, p.Asn954= (NM_001354897.2); c.2757T>C, p.Asn919= (NM_001354898.2); and 6 more.
Identifiers: ClinVar variation 1154959 (VCV001154959.13), dbSNP rs768286117, ClinGen allele CA033649.
Genomic context (GRCh38, chr5:112,838,426, plus strand): 5'-AAGCTCTGCTGCCCATACACATTCAAACACTTACAATTTCACTAAGTCGGAAAATTCAAA[T>C]AGGACATGTTCTATGCCTTATGCCAAATTAGAATACAAGAGATCTTCAAATGATAGTTTA-3'
Protein context (NP_000029.2, residues 934-954): TYNFTKSENS[Asn944=]RTCSMPYAKL